The following is an entry in ClinVar:

ClinVar aggregate classification (germline): Uncertain significance (1 of 4 stars; one submission).

Conditions:
Dystonia 5 (DRD). Also called: GTP Cyclohydrolase 1-Deficient Dopa-Responsive Dystonia; DYT-GCH1; DYSTONIA, PROGRESSIVE, WITH DIURNAL VARIATION; DYSTONIA-PARKINSONISM WITH DIURNAL FLUCTUATION; Dystonia, DOPA-responsive, with or without hyperphenylalaninemia. Identifiers: Orphanet 98808, MedGen C1851920, MONDO:0007495, OMIM 128230.
GTP cyclohydrolase I deficiency. Identifiers: MedGen C0268467, MONDO:0100184.

Submission:

Labcorp Genetics (formerly Invitae), Labcorp
Classification: Uncertain significance for GTP cyclohydrolase I deficiency; Dystonia 5. Last evaluated: 2022-09-06. Review status: criteria provided, single submitter. Criteria: Invitae Variant Classification Sherloc (09022015). Collection method: clinical testing. Allele origin: germline.
Comment: In summary, the available evidence is currently insufficient to determine the role of this variant in disease. Therefore, it has been classified as a Variant of Uncertain Significance. Advanced modeling of protein sequence and biophysical properties (such as structural, functional, and spatial information, amino acid conservation, physicochemical variation, residue mobility, and thermodynamic stability) performed at Invitae indicates that this missense variant is not expected to disrupt GCH1 protein function. This variant has not been reported in the literature in individuals affected with GCH1-related conditions. This variant is not present in population databases (gnomAD no frequency). This sequence change replaces serine, which is neutral and polar, with proline, which is neutral and non-polar, at codon 100 of the GCH1 protein (p.Ser100Pro).

NM_000161.3(GCH1):c.298T>C (p.Ser100Pro)

Gene: GCH1 (GTP cyclohydrolase 1; minus strand). Cytogenetic location: 14q22.2.
Variant type: single nucleotide variant.
Coding change: c.298T>C on transcript NM_000161.3 (MANE Select); coding-DNA position 298, T replaced by C.
Protein change: p.Ser100Pro; replaces serine 100 with proline.
Molecular consequence: missense variant.
Genome position (GRCh38, 1-based): chr14:54,902,366, A>G on the plus strand (T>C on the coding strand, the complement: GCH1 is on the minus strand). VCF-style: chr14-54902366-A-G. GRCh37 (hg19) VCF-style: chr14-55369084-A-G.
Other names: c.298T>C, p.Ser100Pro (NM_001024024.2, NM_001024070.2, NM_001024071.2); short protein forms S100P.
Identifiers: ClinVar variation 2081187 (VCV002081187.4), dbSNP rs2504539183, ClinGen allele CA389793617.